The following is an entry in ClinVar:

NM_001077365.2(POMT1):c.132A>C (p.Glu44Asp)

Gene: POMT1 (protein O-mannosyltransferase 1; plus strand). Cytogenetic location: 9q34.13.
Variant type: single nucleotide variant.
Coding change: c.132A>C on transcript NM_001077365.2 (MANE Select); coding-DNA position 132, A replaced by C.
Protein change: p.Glu44Asp; replaces glutamic acid 44 with aspartic acid.
Molecular consequence: missense variant. On other transcripts: 5 prime UTR variant (6), non-coding transcript variant (7), intron variant (8).
Genome position (GRCh38, 1-based): chr9:131,506,123, A>C. VCF-style: chr9-131506123-A-C. GRCh37 (hg19) VCF-style: chr9-134381510-A-C.
Other names: c.-31A>C (NM_001077366.2, NM_001353194.2, NM_001353197.2 and 3 more transcripts); c.132A>C, p.Glu44Asp (NM_001136113.2, NM_001353193.2, NM_001374690.1 and 1 more transcripts); c.-71-1245A>C (NM_001374691.1, NM_001374692.1); c.123-280A>C (NM_001353196.2); c.-122-280A>C (NM_001353195.2, NM_001353199.2, NM_001136114.2); c.-30+1783A>C (NM_001374695.1); c.-80-280A>C (NM_001353200.2); short protein forms E44D.
Identifiers: ClinVar variation 95456 (VCV000095456.25), dbSNP rs398124244, ClinGen allele CA222993.

ClinVar aggregate classification (germline): Pathogenic/Likely pathogenic. Review status: criteria provided, multiple submitters, no conflicts (2 of 4 stars). 8 submissions from 8 submitters: Pathogenic (1); Likely pathogenic (7). Last evaluated 2026-01-12.

Conditions:
POMT1-related disorder. Also called: POMT1-related disorders; POMT1-related condition.
Walker-Warburg congenital muscular dystrophy. Also called: Muscular dystrophy-dystroglycanopathy, type A; Walker-Warburg syndrome. Identifiers: Orphanet 899, MedGen C0265221, MONDO:0000171.
Autosomal recessive limb-girdle muscular dystrophy type 2K. Also called: MUSCULAR DYSTROPHY, LIMB-GIRDLE, TYPE 2K; MUSCULAR DYSTROPHY-DYSTROGLYCANOPATHY (LIMB-GIRDLE), TYPE C, 1. Identifiers: Orphanet 86812, MedGen C1836373, MONDO:0012248, OMIM 609308.
Muscular dystrophy-dystroglycanopathy (congenital with impaired intellectual development), type B, 1. Also called: MUSCULAR DYSTROPHY, CONGENITAL, POMT1-RELATED; Muscular dystrophy-dystroglycanopathy (congenital with intellectual disability), type B1. Identifiers: MedGen C5436962, MONDO:0013159, OMIM 613155.
Autosomal recessive limb-girdle muscular dystrophy. Identifiers: Orphanet 102015, MedGen C2931907, MONDO:0015152.
Muscular dystrophy-dystroglycanopathy (congenital with brain and eye anomalies), type A1 (MDDGA1). Also called: COD-MD SYNDROME; WALKER-WARBURG SYNDROME OR MUSCLE-EYE-BRAIN DISEASE, POMT1-RELATED; Hydrocephalus, agyria and retinal dysplasia; Hard +/- E syndrome; Warburg syndrome; Chemke syndrome. Identifiers: Orphanet 588, Orphanet 899, MedGen C4284790, MONDO:0009364, OMIM 236670.

Allele frequency attached by ClinVar (database versions not stated): ExAC 0.00002; gnomAD exomes 0.00013 and 0.00002; TOPMed 0.00002.
gnomAD v4.1: 193 of 1,613,828 alleles (0.012%); highest among the groups gnomAD compares: Non-Finnish European, 0.016%; no homozygotes.

Submissions (8):

Labcorp Genetics (formerly Invitae), Labcorp
Classification: Pathogenic for Muscular dystrophy-dystroglycanopathy (congenital with impaired intellectual development), type B, 1; Walker-Warburg congenital muscular dystrophy; Autosomal recessive limb-girdle muscular dystrophy type 2K. Last evaluated: 2026-01-12. Review status: criteria provided, single submitter. Criteria: Invitae Variant Classification Sherloc (09022015). Collection method: clinical testing. Allele origin: germline.
Comment: This sequence change replaces glutamic acid, which is acidic and polar, with aspartic acid, which is acidic and polar, at codon 44 of the POMT1 protein (p.Glu44Asp). This variant is present in population databases (rs398124244, gnomAD 0.004%). This missense change has been observed in individual(s) with congenital muscular dystrophy (PMID: 27159402). In at least one individual the data is consistent with being in trans (on the opposite chromosome) from a pathogenic variant. ClinVar contains an entry for this variant (Variation ID: 95456). Invitae Evidence Modeling of protein sequence and biophysical properties (such as structural, functional, and spatial information, amino acid conservation, physicochemical variation, residue mobility, and thermodynamic stability) indicates that this missense variant is expected to disrupt POMT1 protein function with a positive predictive value of 95%. This variant disrupts the p.Glu44 amino acid residue in POMT1. Other variant(s) that disrupt this residue have been observed in individuals with POMT1-related conditions (PMID: 27193224), which suggests that this may be a clinically significant amino acid residue. For these reasons, this variant has been classified as Pathogenic.

GeneDx
Classification: Likely pathogenic. Last evaluated: 2025-09-04. Review status: criteria provided, single submitter. Criteria: GeneDx Variant Classification Process June 2021. Collection method: clinical testing. Allele origin: germline. Affected: yes.
Comment: Reported previously in a patient from a cohort of individuals with dystroglycanopathy who harbors another POMT1 variant; detailed clinical features and segregation not provided (PMID: 29101272); Not observed at significant frequency in large population cohorts (gnomAD); In silico analysis supports that this missense variant has a deleterious effect on protein structure/function; This variant is associated with the following publications: (PMID: 27159402, 30564623, 35948506, 38544359, 29101272)

Women's Health and Genetics/Laboratory Corporation of America, LabCorp
Classification: Likely pathogenic for Autosomal recessive limb-girdle muscular dystrophy. Last evaluated: 2025-06-06. Review status: criteria provided, single submitter. Criteria: LabCorp Variant Classification Summary - May 2015. Collection method: clinical testing. Allele origin: germline.
Comment: Variant summary: POMT1 c.132A>C (p.Glu44Asp) results in a conservative amino acid change in the encoded protein sequence. Algorithms developed to predict the effect of missense changes on protein structure and function are either unavailable or do not agree on the potential impact of this missense change. The variant allele was found at a frequency of 0.00012 in 1606832 control chromosomes in the gnomAD database (v4.1 dataset). This frequency is not significantly higher than estimated for a pathogenic variant in POMT1 causing Limb-Girdle Muscular Dystrophy, Autosomal Recessive (0.00012 vs 0.00072), allowing no conclusion about variant significance. c.132A>C has been observed in individuals affected with Limb-Girdle Muscular Dystrophy, Autosomal Recessive (e.g. O'Grady_2016, Carlson_2017). These data indicate that the variant may be associated with disease. To our knowledge, no experimental evidence demonstrating an impact on protein function has been reported. However, a different missense affecting the same amino acid, E44A, abolished protein O-mannosyltransferase activity in an in vitro study (PMID: 21782786), while another missense, E44K, has been reported in an affected individual (PMID: 27193224), suggesting that this is a clinically significant amino acid residue. The following publications have been ascertained in the context of this evaluation (PMID: 29101272, 27159402, 27193224, 38544359). ClinVar contains an entry for this variant (Variation ID: 95456). Based on the evidence outlined above, the variant was classified as likely pathogenic.

Revvity Omics, Revvity
Classification: Likely pathogenic. Last evaluated: 2024-12-02. Review status: criteria provided, single submitter. Criteria: ACMG Guidelines, 2015. Collection method: clinical testing. Allele origin: germline.

Baylor Genetics
Classification: Likely pathogenic for Muscular dystrophy-dystroglycanopathy (congenital with brain and eye anomalies), type A1. Last evaluated: 2024-03-27. Review status: criteria provided, single submitter. Criteria: ACMG Guidelines, 2015. Collection method: clinical testing. Allele origin: unknown.

PreventionGenetics, part of Exact Sciences
Classification: Likely pathogenic for POMT1-related condition. Last evaluated: 2023-04-17. Review status: criteria provided, single submitter. Criteria: ACMG Guidelines, 2015. Collection method: clinical testing. Allele origin: germline.
Comment: The POMT1 c.132A>C variant is predicted to result in the amino acid substitution p.Glu44Asp. This variant was reported in the compound heterozygous state in an individual with congenital muscular dystrophy (Table e-1 and e-3, Patient ID 102, O'Grady et al. 2016. PubMed ID: 27159402). Of note, another variant impacting the same amino acid was also reported in the compound heterozygous state in an individual with mild congenital muscular dystrophy [c.130G>A (pl.Glu44Lys), Case 3, Yang et al. 2016. PubMed ID: 27193224). This variant is reported in 0.0039% of alleles in individuals of European (Non-Finnish) descent in gnomAD. This variant is interpreted as likely pathogenic.

Fulgent Genetics
Classification: Likely pathogenic for Muscular dystrophy-dystroglycanopathy (congenital with brain and eye anomalies), type A1; Autosomal recessive limb-girdle muscular dystrophy type 2K; Muscular dystrophy-dystroglycanopathy (congenital with impaired intellectual development), type B, 1. Last evaluated: 2022-05-03. Review status: criteria provided, single submitter. Criteria: ACMG Guidelines, 2015. Collection method: clinical testing. Allele origin: unknown.

Eurofins Ntd Llc (ga)
Classification: Likely pathogenic. Last evaluated: 2013-11-27. Review status: criteria provided, single submitter. Criteria: EGL Classification Definitions. Collection method: clinical testing. Allele origin: germline. Observed: 5 variant alleles, 5 heterozygotes.

Literature cited by the submitters: PubMed 27159402 (cited by Labcorp Genetics (formerly Invitae), Labcorp and Women's Health and Genetics/Laboratory Corporation of America, LabCorp); PubMed 27193224 (cited by Labcorp Genetics (formerly Invitae), Labcorp and Women's Health and Genetics/Laboratory Corporation of America, LabCorp); PubMed 29101272 (cited by Women's Health and Genetics/Laboratory Corporation of America, LabCorp); PubMed 38544359 (cited by Women's Health and Genetics/Laboratory Corporation of America, LabCorp).